The following is an entry in ClinVar:

ClinVar aggregate classification (germline): Uncertain significance (1 of 4 stars; one submission).

Conditions:
BBS4-related disorder. Also called: BBS4-related condition.

gnomAD v4.1: 40 of 1,614,184 alleles (0.0025%); highest among the groups gnomAD compares: Middle Eastern, 0.049%; no homozygotes.

Submission:

PreventionGenetics, part of Exact Sciences
Classification: Uncertain significance for BBS4-related condition. Last evaluated: 2025-03-05. Review status: criteria provided, single submitter. Criteria: ACMG Guidelines, 2015. Collection method: clinical testing. Allele origin: germline.
Comment: The BBS4 c.1331A>C variant is predicted to result in the amino acid substitution p.Lys444Thr. To our knowledge, this variant has not been reported in the literature. This variant is reported in 0.052% of alleles in individuals of South Asian descent in gnomAD which may be too frequent for an unreported disease-causing variant. At this time, the clinical significance of this variant is uncertain due to the absence of conclusive functional and genetic evidence.

NM_033028.5(BBS4):c.1331A>C (p.Lys444Thr)

Gene: BBS4 (Bardet-Biedl syndrome 4; plus strand). Cytogenetic location: 15q24.1.
Variant type: single nucleotide variant.
Coding change: c.1331A>C on transcript NM_033028.5 (MANE Select); coding-DNA position 1331, A replaced by C.
Protein change: p.Lys444Thr; replaces lysine 444 with threonine.
Molecular consequence: missense variant. On other transcripts: non-coding transcript variant (2).
Genome position (GRCh38, 1-based): chr15:72,736,844, A>C. VCF-style: chr15-72736844-A-C. GRCh37 (hg19) VCF-style: chr15-73029185-A-C.
Other names: c.815A>C, p.Lys272Thr (NM_001252678.2); c.1262A>C, p.Lys421Thr (NM_001320665.2); short protein forms K444T, K272T, K421T.
Identifiers: ClinVar variation 4986951 (VCV004986951.1).